The following is an entry in ClinVar:

NM_000059.4(BRCA2):c.1935A>C (p.Arg645Ser)

Gene: BRCA2 (BRCA2 DNA repair associated; plus strand). Cytogenetic location: 13q13.1.
Variant type: single nucleotide variant.
Coding change: c.1935A>C on transcript NM_000059.4 (MANE Select); coding-DNA position 1935, A replaced by C.
Protein change: p.Arg645Ser; replaces arginine 645 with serine.
Molecular consequence: missense variant.
Genome position (GRCh38, 1-based): chr13:32,336,290, A>C. VCF-style: chr13-32336290-A-C. GRCh37 (hg19) VCF-style: chr13-32910427-A-C.
Other names: short protein forms R645S.
Identifiers: ClinVar variation 1387580 (VCV001387580.9), dbSNP rs1555282366, ClinGen allele CA387768331.

ClinVar aggregate classification (germline): Conflicting classifications of pathogenicity. Review status: criteria provided, conflicting classifications (1 of 4 stars). 2 submissions from 2 submitters: Uncertain significance (1); Likely benign (1). Last evaluated 2023-03-23.

Conditions:
Hereditary cancer-predisposing syndrome. Also called: Neoplastic Syndromes, Hereditary; Tumor predisposition; Hereditary neoplastic syndrome; Hereditary Cancer Syndrome. Identifiers: Orphanet 140162, MedGen C0027672, MeSH D009386, MONDO:0015356.
Hereditary breast ovarian cancer syndrome. Also called: Hereditary breast and ovarian cancer syndrome; Hereditary breast and ovarian cancer; BRCA1- and BRCA2-Associated Hereditary Breast and Ovarian Cancer; Hereditary breast and/or ovarian cancer syndrome; Hereditary breast and ovarian cancer syndrome (HBOC); Breast and ovarian cancer. Identifiers: Orphanet 145, MedGen C0677776, MeSH D061325, MONDO:0003582. Disease mechanism: loss of function.

Submissions (2):

University of Washington Department of Laboratory Medicine, University of Washington
Classification: Likely benign for Hereditary cancer-predisposing syndrome. Last evaluated: 2023-03-23. Review status: criteria provided, single submitter. Criteria: Dines et al. (Genet Med. 2020). Collection method: curation. Allele origin: germline.
Comment: Missense variant in a coldspot region where missense variants are very unlikely to be pathogenic (PMID:31911673).

BRCA2 exon 11 coldspot. Reclassification based on statistical prior probability.

Labcorp Genetics (formerly Invitae), Labcorp
Classification: Uncertain significance for Hereditary breast ovarian cancer syndrome. Last evaluated: 2021-04-14. Review status: criteria provided, single submitter. Criteria: Invitae Variant Classification Sherloc (09022015). Collection method: clinical testing. Allele origin: germline.
Comment: In summary, the available evidence is currently insufficient to determine the role of this variant in disease. Therefore, it has been classified as a Variant of Uncertain Significance. This sequence change replaces arginine with serine at codon 645 of the BRCA2 protein (p.Arg645Ser). The arginine residue is weakly conserved and there is a moderate physicochemical difference between arginine and serine. This variant is not present in population databases (ExAC no frequency). This variant has not been reported in the literature in individuals with BRCA2-related conditions. Advanced modeling of protein sequence and biophysical properties (such as structural, functional, and spatial information, amino acid conservation, physicochemical variation, residue mobility, and thermodynamic stability) performed at Invitae indicates that this missense variant is not expected to disrupt BRCA2 protein function.